The following is an entry in ClinVar:

ClinVar aggregate classification (germline): Uncertain significance (1 of 4 stars; one submission).

Submission:

Dasa
Classification: Uncertain significance. Last evaluated: 2026-04-25. Review status: criteria provided, single submitter. Criteria: DASA Assertion Criteria. Collection method: clinical testing. Allele origin: germline.
Comment: NM_001287491.2(TET3):c.1148C>A (p.Pro383His) is a missense variant that results in the substitution of proline with histidine. This variant is rare in population databases. Computational prediction algorithms are consistent with a benign effect. The currently available literature and clinical evidence are not sufficient to establish a definitive association between this variant and the reported condition. Therefore, this variant is classified as a variant of uncertain significance.

NM_001287491.2(TET3):c.1148C>A (p.Pro383His)

Gene: TET3 (tet methylcytosine dioxygenase 3; plus strand). Cytogenetic location: 2p13.1.
Variant type: single nucleotide variant.
Coding change: c.1148C>A on transcript NM_001287491.2 (MANE Select); coding-DNA position 1148, C replaced by A.
Protein change: p.Pro383His; replaces proline 383 with histidine.
Molecular consequence: missense variant.
Genome position (GRCh38, 1-based): chr2:74,047,065, C>A. VCF-style: chr2-74047065-C-A. GRCh37 (hg19) VCF-style: chr2-74274192-C-A.
Other names: c.869C>A, p.Pro290His (NM_001366022.1); short protein forms P290H, P383H.
Identifiers: ClinVar variation 4881991 (VCV004881991.2).